The following is an entry in ClinVar:

ClinVar aggregate classification (germline): Uncertain significance (1 of 4 stars; one submission).

Conditions:
Familial hemophagocytic lymphohistiocytosis 3 (FHL3). Also called: UNC13D-Related Familial Hemophagocytic Lymphohistiocytosis (UNC13D-fHLH). Identifiers: Orphanet 540, MedGen C1837174, MONDO:0012146, OMIM 608898.

Allele frequency attached by ClinVar (database versions not stated): gnomAD exomes 0.00001; ExAC 0.00002.
gnomAD v4.1: 15 of 1,606,942 alleles (0.00093%); highest among the groups gnomAD compares: Non-Finnish European, 0.0013%; no homozygotes.

Submission:

Labcorp Genetics (formerly Invitae), Labcorp
Classification: Uncertain significance for Familial hemophagocytic lymphohistiocytosis 3. Last evaluated: 2024-08-12. Review status: criteria provided, single submitter. Criteria: Invitae Variant Classification Sherloc (09022015). Collection method: clinical testing. Allele origin: germline.
Comment: This sequence change replaces aspartic acid, which is acidic and polar, with histidine, which is basic and polar, at codon 1005 of the UNC13D protein (p.Asp1005His). This variant is present in population databases (rs745623386, gnomAD 0.002%). This variant has not been reported in the literature in individuals affected with UNC13D-related conditions. ClinVar contains an entry for this variant (Variation ID: 1414301). Advanced modeling of protein sequence and biophysical properties (such as structural, functional, and spatial information, amino acid conservation, physicochemical variation, residue mobility, and thermodynamic stability) performed at Invitae indicates that this missense variant is expected to disrupt UNC13D protein function with a positive predictive value of 80%. In summary, the available evidence is currently insufficient to determine the role of this variant in disease. Therefore, it has been classified as a Variant of Uncertain Significance.

NM_199242.3(UNC13D):c.3013G>C (p.Asp1005His)

Gene: UNC13D (unc-13 homolog D; minus strand). Cytogenetic location: 17q25.1.
Variant type: single nucleotide variant.
Coding change: c.3013G>C on transcript NM_199242.3 (MANE Select); coding-DNA position 3013, G replaced by C.
Protein change: p.Asp1005His; replaces aspartic acid 1005 with histidine.
Molecular consequence: missense variant.
Genome position (GRCh38, 1-based): chr17:75,828,925, C>G on the plus strand (G>C on the coding strand, the complement: UNC13D is on the minus strand). VCF-style: chr17-75828925-C-G. GRCh37 (hg19) VCF-style: chr17-73825006-C-G.
Other names: short protein forms D1005H.
Identifiers: ClinVar variation 1414301 (VCV001414301.4), dbSNP rs745623386, ClinGen allele CA8772309.